The following is an entry in ClinVar:

ClinVar aggregate classification (germline): Uncertain significance (1 of 4 stars; one submission).

Allele frequency attached by ClinVar (database versions not stated): ExAC 0.00003; gnomAD 0.00005; TOPMed 0.00006.

Submission:

Labcorp Genetics (formerly Invitae), Labcorp
Classification: Uncertain significance. Last evaluated: 2022-03-22. Review status: criteria provided, single submitter. Criteria: Invitae Variant Classification Sherloc (09022015). Collection method: clinical testing. Allele origin: germline.
Comment: This sequence change replaces arginine, which is basic and polar, with glutamine, which is neutral and polar, at codon 232 of the SFRP4 protein (p.Arg232Gln). This variant is present in population databases (rs766014536, gnomAD 0.01%). This variant has not been reported in the literature in individuals affected with SFRP4-related conditions. Algorithms developed to predict the effect of missense changes on protein structure and function (SIFT, PolyPhen-2, Align-GVGD) all suggest that this variant is likely to be tolerated. In summary, the available evidence is currently insufficient to determine the role of this variant in disease. Therefore, it has been classified as a Variant of Uncertain Significance.

NM_003014.4(SFRP4):c.695G>A (p.Arg232Gln)

Gene: SFRP4 (secreted frizzled related protein 4; minus strand). Cytogenetic location: 7p14.1.
Variant type: single nucleotide variant.
Coding change: c.695G>A on transcript NM_003014.4 (MANE Select); coding-DNA position 695, G replaced by A.
Protein change: p.Arg232Gln; replaces arginine 232 with glutamine.
Molecular consequence: missense variant.
Genome position (GRCh38, 1-based): chr7:37,912,215, C>T on the plus strand (G>A on the coding strand, the complement: SFRP4 is on the minus strand). VCF-style: chr7-37912215-C-T. GRCh37 (hg19) VCF-style: chr7-37951817-C-T.
Other names: short protein forms R232Q.
Identifiers: ClinVar variation 1989705 (VCV001989705.1), dbSNP rs766014536, ClinGen allele CA4222756.